The following is an entry in ClinVar:

NM_015340.4(LARS2):c.277C>T (p.Pro93Ser)

Gene: LARS2 (leucyl-tRNA synthetase 2, mitochondrial; plus strand). Cytogenetic location: 3p21.31.
Variant type: single nucleotide variant.
Coding change: c.277C>T on transcript NM_015340.4 (MANE Select); coding-DNA position 277, C replaced by T.
Protein change: p.Pro93Ser; replaces proline 93 with serine.
Molecular consequence: missense variant.
Genome position (GRCh38, 1-based): chr3:45,400,287, C>T. VCF-style: chr3-45400287-C-T. GRCh37 (hg19) VCF-style: chr3-45441779-C-T.
Other names: c.277C>T, p.Pro93Ser (NM_001368263.1); short protein forms P93S.
Identifiers: ClinVar variation 2057216 (VCV002057216.3), dbSNP rs993142041, ClinGen allele CA73680351.

ClinVar aggregate classification (germline): Uncertain significance (1 of 4 stars; one submission).

Allele frequency attached by ClinVar (database versions not stated): TOPMed below 0.00001; gnomAD exomes 0.00001.

Submission:

Labcorp Genetics (formerly Invitae), Labcorp
Classification: Uncertain significance. Last evaluated: 2022-08-20. Review status: criteria provided, single submitter. Criteria: Invitae Variant Classification Sherloc (09022015). Collection method: clinical testing. Allele origin: germline.
Comment: In summary, the available evidence is currently insufficient to determine the role of this variant in disease. Therefore, it has been classified as a Variant of Uncertain Significance. This sequence change replaces proline, which is neutral and non-polar, with serine, which is neutral and polar, at codon 93 of the LARS2 protein (p.Pro93Ser). This variant is not present in population databases (gnomAD no frequency). This variant has not been reported in the literature in individuals affected with LARS2-related conditions. Algorithms developed to predict the effect of missense changes on protein structure and function (SIFT, PolyPhen-2, Align-GVGD) all suggest that this variant is likely to be disruptive.